The following is an entry in ClinVar:

NM_000179.3(MSH6):c.2284dup (p.Val762fs)

Gene: MSH6 (mutS homolog 6; plus strand). Cytogenetic location: 2p16.3.
Variant type: Duplication.
Coding change: c.2284dup on transcript NM_000179.3 (MANE Select); coding-DNA position 2284, one base duplicated (G; older notation c.2284dupG).
Protein change: p.Val762fs; shifts the reading frame from valine 762.
Molecular consequence: frameshift variant. On other transcripts: non-coding transcript variant (5), intron variant (2).
Genome position (GRCh38, 1-based): chr2:47,800,267, G duplicated; the last of 3 consecutive G bases (chr2:47,800,265-47,800,267); duplicating any one gives the same sequence. VCF-style (leftmost placement, unchanged base first): chr2-47800264-A-AG. GRCh37 (hg19) VCF-style: chr2-48027403-A-AG.
Other names: c.1894dup, p.Val632fs (NM_001281492.2); c.1378dup, p.Val460fs (NM_001281493.2, NM_001281494.2, NM_001406811.1 and 6 more transcripts); c.2380dup, p.Val794fs (NM_001406795.1, NM_001406802.1); c.2284dup, p.Val762fs (NM_001406796.1, NM_001406798.1, NM_001406800.1 and 3 more transcripts); c.1987dup, p.Val663fs (NM_001406797.1, NM_001406801.1, NM_001406805.1 and 10 more transcripts); c.1759dup, p.Val587fs (NM_001406799.1, NM_001406806.1, NM_001406807.1); c.2206dup, p.Val736fs (NM_001406804.1); c.2290dup, p.Val764fs (NM_001406813.1); and 4 more; short protein forms V460fs, V587fs, V632fs, V663fs, V706fs, V736fs, V762fs, V764fs.
Identifiers: ClinVar variation 2673633 (VCV002673633.2), dbSNP rs2104398285, ClinGen allele CA2695200512.

ClinVar aggregate classification (germline): Pathogenic. Review status: criteria provided, multiple submitters, no conflicts (2 of 4 stars). 2 submissions from 2 submitters: Pathogenic (2). Last evaluated 2024-05-28.

Conditions:
Hereditary cancer-predisposing syndrome. Also called: Tumor predisposition; Hereditary neoplastic syndrome; Neoplastic Syndromes, Hereditary; Hereditary Cancer Syndrome. Identifiers: Orphanet 140162, MedGen C0027672, MeSH D009386, MONDO:0015356.
Lynch syndrome 5 (LYNCH5). Also called: Colorectal cancer, hereditary nonpolyposis, type 5; Hereditary non-polyposis colorectal cancer, type 5. Identifiers: Orphanet 144, MedGen C1833477, MONDO:0013710, OMIM 614350. Disease mechanism: loss of function.

Submissions (2):

Ambry Genetics
Classification: Pathogenic for Hereditary cancer-predisposing syndrome. Last evaluated: 2024-05-28. Review status: criteria provided, single submitter. Criteria: Ambry Variant Classification Scheme 2023. Collection method: clinical testing. Allele origin: germline.
Comment: The c.2284dupG pathogenic mutation, located in coding exon 4 of the MSH6 gene, results from a duplication of G at nucleotide position 2284, causing a translational frameshift with a predicted alternate stop codon (p.V762Gfs*2). This alteration is expected to result in loss of function by premature protein truncation or nonsense-mediated mRNA decay. As such, this alteration is interpreted as a disease-causing mutation.

Myriad Genetics, Inc.
Classification: Pathogenic for Lynch syndrome 5. Last evaluated: 2023-08-16. Review status: criteria provided, single submitter. Criteria: Myriad Autosomal Dominant, Autosomal Recessive and X-Linked Classification Criteria (2023). Collection method: clinical testing. Allele origin: unknown.
Comment: This variant is considered pathogenic. This variant creates a frameshift predicted to result in premature protein truncation.